The following is an entry in ClinVar:

NM_152617.4(RNF168):c.311A>C (p.Tyr104Ser)

Gene: RNF168 (ring finger protein 168; minus strand). Cytogenetic location: 3q29.
Variant type: single nucleotide variant.
Coding change: c.311A>C on transcript NM_152617.4 (MANE Select); coding-DNA position 311, A replaced by C.
Protein change: p.Tyr104Ser; replaces tyrosine 104 with serine.
Molecular consequence: missense variant.
Genome position (GRCh38, 1-based): chr3:196,488,674, T>G on the plus strand (A>C on the coding strand, the complement: RNF168 is on the minus strand). VCF-style: chr3-196488674-T-G. GRCh37 (hg19) VCF-style: chr3-196215545-T-G.
Other names: short protein forms Y104S.
Identifiers: ClinVar variation 1382539 (VCV001382539.3), dbSNP rs755261571, ClinGen allele CA355626379.

ClinVar aggregate classification (germline): Uncertain significance (1 of 4 stars; one submission).

Allele frequency attached by ClinVar (database versions not stated): TOPMed below 0.00001.
gnomAD v4.1: 4 of 1,599,080 alleles (0.00025%); highest among the groups gnomAD compares: Middle Eastern, 0.017%; no homozygotes.

Submission:

Labcorp Genetics (formerly Invitae), Labcorp
Classification: Uncertain significance. Last evaluated: 2022-08-23. Review status: criteria provided, single submitter. Criteria: Invitae Variant Classification Sherloc (09022015). Collection method: clinical testing. Allele origin: germline.
Comment: This sequence change replaces tyrosine, which is neutral and polar, with serine, which is neutral and polar, at codon 104 of the RNF168 protein (p.Tyr104Ser). This variant is not present in population databases (gnomAD no frequency). This variant has not been reported in the literature in individuals affected with RNF168-related conditions. ClinVar contains an entry for this variant (Variation ID: 1382539). Algorithms developed to predict the effect of missense changes on protein structure and function (SIFT, PolyPhen-2, Align-GVGD) all suggest that this variant is likely to be tolerated. In summary, the available evidence is currently insufficient to determine the role of this variant in disease. Therefore, it has been classified as a Variant of Uncertain Significance.